The following is an entry in ClinVar:

ClinVar aggregate classification (germline): Uncertain significance (1 of 4 stars; one submission).

Submission:

GeneDx
Classification: Uncertain significance. Last evaluated: 2022-01-14. Review status: criteria provided, single submitter. Criteria: GeneDx Variant Classification Process June 2021. Collection method: clinical testing. Allele origin: germline. Affected: yes.
Comment: Not observed at significant frequency in large population cohorts (gnomAD); In silico analysis supports that this missense variant has a deleterious effect on protein structure/function; Has not been previously published as pathogenic or benign to our knowledge

NM_003482.4(KMT2D):c.14216C>T (p.Pro4739Leu)

Gene: KMT2D (lysine methyltransferase 2D; minus strand). Cytogenetic location: 12q13.12.
Variant type: single nucleotide variant.
Coding change: c.14216C>T on transcript NM_003482.4 (MANE Select); coding-DNA position 14216, C replaced by T.
Protein change: p.Pro4739Leu; replaces proline 4739 with leucine.
Molecular consequence: missense variant.
Genome position (GRCh38, 1-based): chr12:49,029,096, G>A on the plus strand (C>T on the coding strand, the complement: KMT2D is on the minus strand). VCF-style: chr12-49029096-G-A. GRCh37 (hg19) VCF-style: chr12-49422879-G-A.
Other names: short protein forms P4739L.
Identifiers: ClinVar variation 1697064 (VCV001697064.2), dbSNP rs2120391629, ClinGen allele CA384697063.
Genomic context (GRCh38, chr12:49,029,096, plus strand): 5'-GGCCCACATCCAGAGTAGCACATACCTGGGATGCTGGCCCGAGGAATGAGGGGGATGACA[G>A]GGGAGAGGGCCCGGTCCTCTTGCTCCCACCGGCCTGAGCCCAGATGAGGGAAACGAGGGG-3'
Protein context (NP_003473.3, residues 4729-4749): RWEQEDRALS[Pro4739Leu]VIPLIPRASI